The following is an entry in ClinVar:

ClinVar aggregate classification (germline): Uncertain significance (1 of 4 stars; one submission).

Submission:

CeGaT Center for Human Genetics Tuebingen
Classification: Uncertain significance. Last evaluated: 2024-02-01. Review status: criteria provided, single submitter. Criteria: CeGaT Center For Human Genetics Tuebingen Variant Classification Criteria Version 2. Collection method: clinical testing. Allele origin: germline. Affected: yes. Observed: 2 variant alleles.
Comment: POLG: PM1, PM2, PP4

NM_002693.3(POLG):c.2882T>C (p.Phe961Ser)

Gene: POLG (DNA polymerase gamma, catalytic subunit; minus strand). Cytogenetic location: 15q26.1.
Variant type: single nucleotide variant.
Coding change: c.2882T>C on transcript NM_002693.3 (MANE Select); coding-DNA position 2882, T replaced by C.
Protein change: p.Phe961Ser; replaces phenylalanine 961 with serine.
Molecular consequence: missense variant.
Genome position (GRCh38, 1-based): chr15:89,320,865, A>G on the plus strand (T>C on the coding strand, the complement: POLG is on the minus strand). VCF-style: chr15-89320865-A-G. GRCh37 (hg19) VCF-style: chr15-89864096-A-G.
Other names: c.2882T>C, p.Phe961Ser (NM_001126131.2); short protein forms F961S.
Identifiers: ClinVar variation 3026604 (VCV003026604.22), dbSNP rs2509217018, ClinGen allele CA393752591.